The following is an entry in ClinVar:

ClinVar aggregate classification (germline): Uncertain significance. Review status: criteria provided, multiple submitters, no conflicts (2 of 4 stars). 3 submissions from 3 submitters: Uncertain significance (2). 1 of the submissions does not count toward it. Last evaluated 2023-11-27.

Conditions:
Pigmentary retinal dystrophy. Also called: Fundus albipunctatus. Identifiers: Orphanet 227796, Orphanet 52427, MedGen C0311338, MONDO:0007639, OMIM 136880, HP:0030642.

Allele frequency attached by ClinVar (database versions not stated): gnomAD 0.00002; gnomAD exomes 0.00003; ExAC 0.00004; TOPMed 0.00004; ESP Exome Variant Server 0.00008.
gnomAD v4.1: 21 of 1,613,648 alleles (0.0013%); highest among the groups gnomAD compares: African/African-American, 0.0067%; no homozygotes.

Submissions (3):

Labcorp Genetics (formerly Invitae), Labcorp
Classification: Uncertain significance. Last evaluated: 2023-11-27. Review status: criteria provided, single submitter. Criteria: Invitae Variant Classification Sherloc (09022015). Collection method: clinical testing. Allele origin: germline.
Comment: This sequence change replaces arginine, which is basic and polar, with glutamine, which is neutral and polar, at codon 191 of the RDH5 protein (p.Arg191Gln). This variant is present in population databases (rs367757406, gnomAD 0.02%). This missense change has been observed in individuals with clinical features of RDH5-related conditions (PMID: 22815624, 25820994, 32531858; Invitae). ClinVar contains an entry for this variant (Variation ID: 425006). An algorithm developed to predict the effect of missense changes on protein structure and function (PolyPhen-2) suggests that this variant is likely to be disruptive. In summary, the available evidence is currently insufficient to determine the role of this variant in disease. Therefore, it has been classified as a Variant of Uncertain Significance.

CeGaT Center for Human Genetics Tuebingen
Classification: Uncertain significance. Last evaluated: 2017-02-01. Review status: criteria provided, single submitter. Criteria: CeGaT Center For Human Genetics Tuebingen Variant Classification Criteria Version 2. Collection method: clinical testing. Allele origin: germline. Affected: yes. Observed: 1 variant allele.

Sharon lab, Hadassah-Hebrew University Medical Center
Classification: Pathogenic for Fundus albipunctatus. Last evaluated: 2019-06-23. Review status: no assertion criteria provided. Collection method: research. Allele origin: inherited. Affected: yes. Not counted in ClinVar's aggregate classification.

Literature cited by the submitters: PubMed 22815624 (cited by Labcorp Genetics (formerly Invitae), Labcorp); PubMed 25820994 (cited by Labcorp Genetics (formerly Invitae), Labcorp); PubMed 32531858 (cited by Labcorp Genetics (formerly Invitae), Labcorp).

NM_002905.5(RDH5):c.572G>A (p.Arg191Gln)

Genes: BLOC1S1-RDH5 (BLOC1S1-RDH5 readthrough; plus strand), CD63 (CD63 molecule; minus strand), RDH5 (retinol dehydrogenase 5; plus strand). Cytogenetic location: 12q13.2.
Variant type: single nucleotide variant.
Coding change: c.572G>A on transcript NM_002905.5 (MANE Select); coding-DNA position 572, G replaced by A.
Protein change: p.Arg191Gln; replaces arginine 191 with glutamine.
Molecular consequence: missense variant. On other transcripts: non-coding transcript variant (1).
Genome position (GRCh38, 1-based): chr12:55,723,888, G>A. VCF-style: chr12-55723888-G-A. GRCh37 (hg19) VCF-style: chr12-56117672-G-A.
Other names: c.572G>A, p.Arg191Gln (NM_001199771.3); short protein forms R191Q.
Identifiers: ClinVar variation 425006 (VCV000425006.48), dbSNP rs367757406, ClinGen allele CA6616890.